The following is an entry in ClinVar:

NM_017636.4(TRPM4):c.3224T>G (p.Leu1075Arg)

Gene: TRPM4 (transient receptor potential cation channel subfamily M member 4; plus strand). Cytogenetic location: 19q13.33.
Variant type: single nucleotide variant.
Coding change: c.3224T>G on transcript NM_017636.4 (MANE Select); coding-DNA position 3224, T replaced by G.
Protein change: p.Leu1075Arg; replaces leucine 1075 with arginine.
Molecular consequence: missense variant.
Genome position (GRCh38, 1-based): chr19:49,210,301, T>G. VCF-style: chr19-49210301-T-G. GRCh37 (hg19) VCF-style: chr19-49713558-T-G.
Other names: c.2789T>G, p.Leu930Arg (NM_001195227.2); c.2879T>G, p.Leu960Arg (NM_001321281.2); c.1616T>G, p.Leu539Arg (NM_001321282.2); c.2702T>G, p.Leu901Arg (NM_001321283.2); c.2162T>G, p.Leu721Arg (NM_001321285.2); short protein forms L539R, L901R, L930R, L1075R, L721R, L960R.
Identifiers: ClinVar variation 1421042 (VCV001421042.12), dbSNP rs144421653, ClinGen allele CA406771876.
Genomic context (GRCh38, chr19:49,210,301, plus strand): 5'-ATCTCTACTGGAAGGCGCAGCGTTACCGCCTCATCCGGGAATTCCACTCTCGGCCCGCGC[T>G]GGCCCCGCCCTTTATCGTCATCTCCCACTTGCGCCTCCTGCTCAGGCAATTGTGCAGGCG-3'
Protein context (NP_060106.2, residues 1065-1085): LIREFHSRPA[Leu1075Arg]APPFIVISHL

ClinVar aggregate classification (germline): Uncertain significance. Review status: criteria provided, multiple submitters, no conflicts (2 of 4 stars). 3 submissions from 3 submitters: Uncertain significance (3). Last evaluated 2024-01-08.

Conditions:
Cardiovascular phenotype. Identifiers: MedGen CN230736.
Long QT syndrome (LQTS). Identifiers: MedGen C0023976, MeSH D008133, MONDO:0002442. Disease mechanism: loss of function. Inheritance: Various modes of inheritance.
Progressive familial heart block type IB (PFHB1B). Identifiers: Orphanet 871, MedGen C1970298, MONDO:0011474, OMIM 604559.

gnomAD v4.1: 5 of 1,614,222 alleles (0.00031%); highest among the groups gnomAD compares: Non-Finnish European, 0.00034%; no homozygotes.

Submissions (3):

Dept of Medical Biology, Uskudar University
Classification: Uncertain significance for Long QT syndrome. Last evaluated: 2024-01-08. Review status: criteria provided, single submitter. Criteria: Dept of Medical Biology Variant Classification. Collection method: research. Allele origin: paternal. Affected: yes. Observed: 1 variant allele.
Comment: Criteria: PM2, PP3

Labcorp Genetics (formerly Invitae), Labcorp
Classification: Uncertain significance for Progressive familial heart block type IB. Last evaluated: 2023-06-27. Review status: criteria provided, single submitter. Criteria: Invitae Variant Classification Sherloc (09022015). Collection method: clinical testing. Allele origin: germline.
Comment: An algorithm developed to predict the effect of missense changes on protein structure and function (PolyPhen-2) suggests that this variant is likely to be disruptive. In summary, the available evidence is currently insufficient to determine the role of this variant in disease. Therefore, it has been classified as a Variant of Uncertain Significance. ClinVar contains an entry for this variant (Variation ID: 1421042). This variant has not been reported in the literature in individuals affected with TRPM4-related conditions. This variant is present in population databases (no rsID available, gnomAD 0.003%). This sequence change replaces leucine, which is neutral and non-polar, with arginine, which is basic and polar, at codon 1075 of the TRPM4 protein (p.Leu1075Arg).

Ambry Genetics
Classification: Uncertain significance for Cardiovascular phenotype. Last evaluated: 2022-03-31. Review status: criteria provided, single submitter. Criteria: Ambry Variant Classification Scheme 2023. Collection method: clinical testing. Allele origin: germline.
Comment: The p.L1075R variant (also known as c.3224T>G), located in coding exon 21 of the TRPM4 gene, results from a T to G substitution at nucleotide position 3224. The leucine at codon 1075 is replaced by arginine, an amino acid with dissimilar properties. This amino acid position is highly conserved in available vertebrate species. In addition, this alteration is predicted to be deleterious by in silico analysis. Since supporting evidence is limited at this time, the clinical significance of this alteration remains unclear.